The following is an entry in ClinVar:

NM_025099.6(CTC1):c.2669+19C>G

Gene: CTC1 (CST telomere replication complex component 1; minus strand). Cytogenetic location: 17p13.1.
Variant type: single nucleotide variant.
Coding change: c.2669+19C>G on transcript NM_025099.6 (MANE Select); 19 bases into the intron after coding-DNA position 2669, C replaced by G.
Molecular consequence: intron variant.
Genome position (GRCh38, 1-based): chr17:8,231,257, G>C on the plus strand (C>G on the coding strand, the complement: CTC1 is on the minus strand). VCF-style: chr17-8231257-G-C. GRCh37 (hg19) VCF-style: chr17-8134575-G-C.
Other names: c.2669+19C>G (NM_001411067.1).
Identifiers: ClinVar variation 4811563 (VCV004811563.1).

ClinVar aggregate classification (germline): Uncertain significance (1 of 4 stars; one submission).

Conditions:
Dyskeratosis congenita. Identifiers: Orphanet 1775, MedGen C0265965, MONDO:0015780.

Submission:

Labcorp Genetics (formerly Invitae), Labcorp
Classification: Uncertain significance for Dyskeratosis congenita. Last evaluated: 2025-06-22. Review status: criteria provided, single submitter. Criteria: Invitae Variant Classification Sherloc (09022015). Collection method: clinical testing. Allele origin: germline.
Comment: This sequence change falls in intron 15 of the CTC1 gene. It does not directly change the encoded amino acid sequence of the CTC1 protein. This variant is not present in population databases (gnomAD no frequency). This variant has not been reported in the literature in individuals affected with CTC1-related conditions. Algorithms developed to predict the effect of sequence changes on RNA splicing suggest that this variant may create or strengthen a splice site. In summary, the available evidence is currently insufficient to determine the role of this variant in disease. Therefore, it has been classified as a Variant of Uncertain Significance.